The following is an entry in ClinVar:

NM_170744.5(UNC5B):c.2351G>T (p.Ser784Ile)

Gene: UNC5B (unc-5 netrin receptor B; plus strand). Cytogenetic location: 10q22.1.
Variant type: single nucleotide variant.
Coding change: c.2351G>T on transcript NM_170744.5 (MANE Select); coding-DNA position 2351, G replaced by T.
Protein change: p.Ser784Ile; replaces serine 784 with isoleucine.
Molecular consequence: missense variant.
Genome position (GRCh38, 1-based): chr10:71,296,603, G>T. VCF-style: chr10-71296603-G-T. GRCh37 (hg19) VCF-style: chr10-73056360-G-T.
Other names: c.2318G>T, p.Ser773Ile (NM_001244889.2); short protein forms S773I, S784I.
Identifiers: ClinVar variation 3347588 (VCV003347588.2).

ClinVar aggregate classification (germline): Uncertain significance (1 of 4 stars; one submission).

Conditions:
UNC5B-related disorder. Also called: UNC5B-related condition.

Submission:

PreventionGenetics, part of Exact Sciences
Classification: Uncertain significance for UNC5B-related condition. Last evaluated: 2026-08-04. Review status: criteria provided, single submitter. Criteria: ACMG Guidelines, 2015. Collection method: clinical testing. Allele origin: germline.
Comment: The UNC5B c.2351G>T variant is predicted to result in the amino acid substitution p.Ser784Ile. This variant is predicted to enhance a cryptic splice acceptor site based on available splicing prediction programs (SpliceAI, Jaganathan et al. 2019. PubMed ID: 30661751). To our knowledge, this variant has not been reported in the literature or in a large population database, indicating this variant is rare. At this time, the clinical significance of this variant is uncertain due to the absence of conclusive functional and genetic evidence.